The following is an entry in ClinVar:

NM_000540.3(RYR1):c.13336T>A (p.Phe4446Ile)

Genes: RYR1 (ryanodine receptor 1; plus strand), LOC130064357 (ATAC-STARR-seq lymphoblastoid silent region 10577; plus strand). Cytogenetic location: 19q13.2.
Variant type: single nucleotide variant.
Coding change: c.13336T>A on transcript NM_000540.3 (MANE Select); coding-DNA position 13336, T replaced by A.
Protein change: p.Phe4446Ile; replaces phenylalanine 4446 with isoleucine.
Molecular consequence: missense variant.
Genome position (GRCh38, 1-based): chr19:38,565,670, T>A. VCF-style: chr19-38565670-T-A. GRCh37 (hg19) VCF-style: chr19-39056310-T-A.
Other names: c.13321T>A, p.Phe4441Ile (NM_001042723.2); short protein forms F4441I, F4446I.
Identifiers: ClinVar variation 1979821 (VCV001979821.3), dbSNP rs1973383781, ClinGen allele CA405675077.

ClinVar aggregate classification (germline): Uncertain significance. Review status: criteria provided, multiple submitters, no conflicts (2 of 4 stars). 2 submissions from 2 submitters: Uncertain significance (2). Last evaluated 2024-09-11.

Conditions:
RYR1-related disorder. Also called: RYR1-related disorders; RYR1-related condition. Identifiers: MedGen CN239331.
Malignant hyperthermia, susceptibility to, 1 (MHS1). Also called: RYR1-Related Malignant Hyperthermia Susceptibility; Anesthesia related hyperthermia; Malignant hyperpyrexia; Fulminating hyperpyrexia; Pharmacogenic myopathy; Malignant hyperthermia suceptibility 1. Identifiers: Orphanet 423, MedGen C2930980, MONDO:0007783, OMIM 145600.

Allele frequency attached by ClinVar (database versions not stated): gnomAD 0.00001; gnomAD exomes 0.00001.
gnomAD v4.1: 4 of 1,391,996 alleles (0.00029%); highest among the groups gnomAD compares: Non-Finnish European, 0.00037%; no homozygotes.

Submissions (2):

All of Us Research Program, National Institutes of Health
Classification: Uncertain significance for Malignant hyperthermia, susceptibility to, 1. Last evaluated: 2024-09-11. Review status: criteria provided, single submitter. Criteria: ACMG Guidelines, 2015. Collection method: clinical testing. Allele origin: germline. Inheritance: Autosomal dominant inheritance. Observed: 2 variant alleles, 2 heterozygotes.
Comment: This study involves interpretation of variants in research participants for the purpose of population health screening. Participant phenotype was not available at the time of variant classification. Additional details can be found in publication PMID: 35346344, PMCID: PMC8962531

Labcorp Genetics (formerly Invitae), Labcorp
Classification: Uncertain significance for RYR1-related disorder. Last evaluated: 2022-10-25. Review status: criteria provided, single submitter. Criteria: Invitae Variant Classification Sherloc (09022015). Collection method: clinical testing. Allele origin: germline.
Comment: This sequence change replaces phenylalanine, which is neutral and non-polar, with isoleucine, which is neutral and non-polar, at codon 4446 of the RYR1 protein (p.Phe4446Ile). This variant is not present in population databases (gnomAD no frequency). This variant has not been reported in the literature in individuals affected with RYR1-related conditions. Advanced modeling of protein sequence and biophysical properties (such as structural, functional, and spatial information, amino acid conservation, physicochemical variation, residue mobility, and thermodynamic stability) performed at Invitae indicates that this missense variant is not expected to disrupt RYR1 protein function. In summary, the available evidence is currently insufficient to determine the role of this variant in disease. Therefore, it has been classified as a Variant of Uncertain Significance.